The following is an entry in ClinVar:

NM_032119.4(ADGRV1):c.8738T>C (p.Val2913Ala)

Gene: ADGRV1 (adhesion G protein-coupled receptor V1; plus strand). Cytogenetic location: 5q14.3.
Variant type: single nucleotide variant.
Coding change: c.8738T>C on transcript NM_032119.4 (MANE Select); coding-DNA position 8738, T replaced by C.
Protein change: p.Val2913Ala; replaces valine 2913 with alanine.
Molecular consequence: missense variant. On other transcripts: non-coding transcript variant (1).
Genome position (GRCh38, 1-based): chr5:90,708,823, T>C. VCF-style: chr5-90708823-T-C. GRCh37 (hg19) VCF-style: chr5-90004640-T-C.
Other names: short protein forms V2913A.
Identifiers: ClinVar variation 290400 (VCV000290400.7), dbSNP rs771078448, ClinGen allele CA3340343.

ClinVar aggregate classification (germline): Uncertain significance. Review status: criteria provided, multiple submitters, no conflicts (2 of 4 stars). 2 submissions from 2 submitters: Uncertain significance (2). Last evaluated 2022-04-29.

Allele frequency attached by ClinVar (database versions not stated): gnomAD exomes below 0.00001; ExAC 0.00001; gnomAD 0.00001; TOPMed 0.00001.
gnomAD v4.1: 5 of 1,606,300 alleles (0.00031%); highest among the groups gnomAD compares: Non-Finnish European, 0.00034%; no homozygotes.

Submissions (2):

Labcorp Genetics (formerly Invitae), Labcorp
Classification: Uncertain significance. Last evaluated: 2022-04-29. Review status: criteria provided, single submitter. Criteria: Invitae Variant Classification Sherloc (09022015). Collection method: clinical testing. Allele origin: germline.
Comment: This sequence change replaces valine, which is neutral and non-polar, with alanine, which is neutral and non-polar, at codon 2913 of the ADGRV1 protein (p.Val2913Ala). This variant is present in population databases (rs771078448, gnomAD 0.004%). This variant has not been reported in the literature in individuals affected with ADGRV1-related conditions. ClinVar contains an entry for this variant (Variation ID: 290400). Algorithms developed to predict the effect of missense changes on protein structure and function are either unavailable or do not agree on the potential impact of this missense change (SIFT: "Deleterious"; PolyPhen-2: "Benign"; Align-GVGD: "Class C0"). In summary, the available evidence is currently insufficient to determine the role of this variant in disease. Therefore, it has been classified as a Variant of Uncertain Significance.

Eurofins Ntd Llc (ga)
Classification: Uncertain significance. Last evaluated: 2016-08-31. Review status: criteria provided, single submitter. Criteria: EGL Classification Definitions 2015. Collection method: clinical testing. Allele origin: germline. Observed: 1 variant allele, 1 heterozygote.